The following is an entry in ClinVar:

NM_001292063.2(OTOG):c.2883C>T (p.Gly961=)

Gene: OTOG (otogelin; plus strand). Cytogenetic location: 11p15.1.
Variant type: single nucleotide variant.
Coding change: c.2883C>T on transcript NM_001292063.2 (MANE Select); coding-DNA position 2883, C replaced by T.
Protein change: p.Gly961=; no amino-acid change (glycine 961 retained).
Molecular consequence: synonymous variant.
Genome position (GRCh38, 1-based): chr11:17,591,465, C>T. VCF-style: chr11-17591465-C-T. GRCh37 (hg19) VCF-style: chr11-17613012-C-T.
Other names: c.2919C>T, p.Gly973= (NM_001277269.2).
Identifiers: ClinVar variation 668434 (VCV000668434.1), dbSNP rs893483749, ClinGen allele CA218459235.

ClinVar aggregate classification (germline): Likely benign (1 of 4 stars; one submission).

Allele frequency attached by ClinVar (database versions not stated): gnomAD exomes 0.00001.
gnomAD v4.1: 1 of 1,550,738 alleles (0.000064%); highest among the groups gnomAD compares: Admixed American, 0.002%; no homozygotes.

Submission:

GeneDx
Classification: Likely benign. Last evaluated: 2018-06-08. Review status: criteria provided, single submitter. Criteria: GeneDx Variant Classification (06012015). Collection method: clinical testing. Allele origin: germline. Affected: yes.
Comment: This variant is considered likely benign or benign based on one or more of the following criteria: it is a conservative change, it occurs at a poorly conserved position in the protein, it is predicted to be benign by multiple in silico algorithms, and/or has population frequency not consistent with disease.